The following is an entry in ClinVar:

NM_000090.4(COL3A1):c.1624C>A (p.Pro542Thr)

Gene: COL3A1 (collagen type III alpha 1 chain; plus strand). Cytogenetic location: 2q32.2.
Variant type: single nucleotide variant.
Coding change: c.1624C>A on transcript NM_000090.4 (MANE Select); coding-DNA position 1624, C replaced by A.
Protein change: p.Pro542Thr; replaces proline 542 with threonine.
Molecular consequence: missense variant.
Genome position (GRCh38, 1-based): chr2:188,996,140, C>A. VCF-style: chr2-188996140-C-A. GRCh37 (hg19) VCF-style: chr2-189860866-C-A.
Other names: short protein forms P542T.
Identifiers: ClinVar variation 3072171 (VCV003072171.1), dbSNP rs2469134062, ClinGen allele CA349852397.

ClinVar aggregate classification (germline): Uncertain significance (1 of 4 stars; one submission).

Conditions:
Ehlers-Danlos syndrome, type 4 (EDSVASC). Also called: Ehlers-Danlos Syndrome Type IV; Ehlers-Danlos syndrome vascular type; Ehlers Danlos syndrome, ecchymotic type; Ehlers Danlos syndrome, arterial type; Ehlers Danlos syndrome, Sack-Barabas type. Identifiers: Orphanet 286, MedGen C0268338, MONDO:0017314, OMIM 130050.

Allele frequency attached by ClinVar (database versions not stated): gnomAD exomes below 0.00001.
gnomAD v4.1: 5 of 1,613,582 alleles (0.00031%); highest among the groups gnomAD compares: Non-Finnish European, 0.00042%; no homozygotes.

Submission:

All of Us Research Program, National Institutes of Health
Classification: Uncertain significance for Ehlers-Danlos syndrome, type 4. Last evaluated: 2023-06-26. Review status: criteria provided, single submitter. Criteria: ACMG Guidelines, 2015. Collection method: clinical testing. Allele origin: germline. Inheritance: Autosomal dominant inheritance. Observed: 1 variant allele, 1 heterozygote.
Comment: This missense variant replaces proline with threonine at codon 542 of the COL3A1 protein. Computational prediction is inconclusive regarding the impact of this variant on protein structure and function (internally defined REVEL score threshold 0.5 < inconclusive < 0.7, PMID: 27666373). To our knowledge, functional studies have not been reported for this variant. This variant has not been reported in individuals affected with COL3A1-related disorders in the literature. This variant has not been identified in the general population by the Genome Aggregation Database (gnomAD). The available evidence is insufficient to determine the role of this variant in disease conclusively. Therefore, this variant is classified as a Variant of Uncertain Significance.

This study involves interpretation of variants in research participants for the purpose of population health screening. Participant phenotype was not available at the time of variant classification. Additional details can be found in publication PMID: 35346344, PMCID: PMC8962531